The following is an entry in ClinVar:

NM_015295.3(SMCHD1):c.2833A>G (p.Thr945Ala)

Gene: SMCHD1 (structural maintenance of chromosomes flexible hinge domain containing 1; plus strand). Cytogenetic location: 18p11.32.
Variant type: single nucleotide variant.
Coding change: c.2833A>G on transcript NM_015295.3 (MANE Select); coding-DNA position 2833, A replaced by G.
Protein change: p.Thr945Ala; replaces threonine 945 with alanine.
Molecular consequence: missense variant.
Genome position (GRCh38, 1-based): chr18:2,728,516, A>G. VCF-style: chr18-2728516-A-G. GRCh37 (hg19) VCF-style: chr18-2728514-A-G.
Other names: short protein forms T945A.
Identifiers: ClinVar variation 3668728 (VCV003668728.2).
Genomic context (GRCh38, chr18:2,728,516, plus strand): 5'-GGTCACCCTCGTCGACTGAAAGTGAAACCTGATTCTGAAATTTTAGTTATAGAAAATGGA[A>G]CAGCTTTCCCATTTCAGGTGGAAGTTTTAGATGAATCAGACAACATAACAGCACAACCAA-3'
Protein context (NP_056110.2, residues 935-955): DSEILVIENG[Thr945Ala]AFPFQVEVLD

ClinVar aggregate classification (germline): Uncertain significance (1 of 4 stars; one submission).

Conditions:
Facioscapulohumeral muscular dystrophy 2 (FSHD2). Also called: MUSCULAR DYSTROPHY, FACIOSCAPULOHUMERAL, TYPE 1B; FACIOSCAPULOHUMERAL MUSCULAR DYSTROPHY 2, DIGENIC; FSHD2, DIGENIC. Identifiers: Orphanet 269, MedGen C1834671, MONDO:0008031, OMIM 158901.

gnomAD v4.1: 3 of 1,613,212 alleles (0.00019%); highest among the groups gnomAD compares: Non-Finnish European, 0.00025%; no homozygotes.

Submission:

Labcorp Genetics (formerly Invitae), Labcorp
Classification: Uncertain significance for Facioscapulohumeral muscular dystrophy 2. Last evaluated: 2024-12-23. Review status: criteria provided, single submitter. Criteria: Invitae Variant Classification Sherloc (09022015). Collection method: clinical testing. Allele origin: germline.
Comment: This sequence change replaces threonine, which is neutral and polar, with alanine, which is neutral and non-polar, at codon 945 of the SMCHD1 protein (p.Thr945Ala). The frequency data for this variant in the population databases is considered unreliable, as metrics indicate poor data quality at this position in the gnomAD database. This variant has not been reported in the literature in individuals affected with SMCHD1-related conditions. Invitae Evidence Modeling of protein sequence and biophysical properties (such as structural, functional, and spatial information, amino acid conservation, physicochemical variation, residue mobility, and thermodynamic stability) indicates that this missense variant is not expected to disrupt SMCHD1 protein function with a negative predictive value of 80%. In summary, the available evidence is currently insufficient to determine the role of this variant in disease. Therefore, it has been classified as a Variant of Uncertain Significance.